The following is an entry in ClinVar:

ClinVar aggregate classification (germline): Uncertain significance (1 of 4 stars; one submission).

Conditions:
Myopathy, centronuclear, 2 (CNM2). Also called: MYOTUBULAR MYOPATHY, AUTOSOMAL RECESSIVE. Identifiers: Orphanet 169186, MedGen CN031787, MONDO:0009709, OMIM 255200.

Submission:

Labcorp Genetics (formerly Invitae), Labcorp
Classification: Uncertain significance for Myopathy, centronuclear, 2. Last evaluated: 2022-12-31. Review status: criteria provided, single submitter. Criteria: Invitae Variant Classification Sherloc (09022015). Collection method: clinical testing. Allele origin: germline.
Comment: In summary, the available evidence is currently insufficient to determine the role of this variant in disease. Therefore, it has been classified as a Variant of Uncertain Significance. This sequence change replaces glycine, which is neutral and non-polar, with glutamic acid, which is acidic and polar, at codon 5 of the BIN1 protein (p.Gly5Glu). Information on the frequency of this variant in the gnomAD database is not available, as this variant may be reported differently in the database. This variant has not been reported in the literature in individuals affected with BIN1-related conditions. Algorithms developed to predict the effect of missense changes on protein structure and function are either unavailable or do not agree on the potential impact of this missense change (SIFT: "Not Available"; PolyPhen-2: "Possibly Damaging"; Align-GVGD: "Not Available").

NM_139343.3(BIN1):c.14_15delinsAG (p.Gly5Glu)

Gene: BIN1 (bridging integrator 1; minus strand). Cytogenetic location: 2q14.3.
Variant type: Indel.
Coding change: c.14_15delinsAG on transcript NM_139343.3 (MANE Select); coding-DNA positions 14 to 15, GC replaced by AG.
Protein change: p.Gly5Glu; replaces glycine 5 with glutamic acid.
Molecular consequence: missense variant.
Genome position (GRCh38, 1-based): chr2:127,106,929-127,106,930, GC replaced by CT on the plus strand (GC replaced by AG on the coding strand, the reverse complement: BIN1 is on the minus strand). VCF-style: chr2-127106929-GC-CT. GRCh37 (hg19) VCF-style: chr2-127864505-GC-CT.
Other names: c.14_15delinsAG, p.Gly5Glu (NM_139351.3, NM_001320640.2, NM_001320641.2 and 10 more transcripts); short protein forms G5E.
Identifiers: ClinVar variation 2983738 (VCV002983738.3), dbSNP rs2467800224, ClinGen allele CA2740095687.